The following is an entry in ClinVar:

ClinVar aggregate classification (germline): Uncertain significance (1 of 4 stars; one submission).

Submission:

Ambry Genetics
Classification: Uncertain significance. Last evaluated: 2024-05-25. Review status: criteria provided, single submitter. Criteria: Ambry Variant Classification Scheme 2023. Collection method: clinical testing. Allele origin: germline.
Comment: The p.E63D variant (also known as c.189G>C), located in coding exon 1 of the PALLD gene, results from a G to C substitution at nucleotide position 189. The glutamic acid at codon 63 is replaced by aspartic acid, an amino acid with highly similar properties. This amino acid position is conserved. In addition, this alteration is predicted to be tolerated by in silico analysis. Based on the available evidence, the clinical significance of this variant remains unclear.

NM_001166108.2(PALLD):c.189G>C (p.Glu63Asp)

Gene: PALLD (palladin, cytoskeletal associated protein; plus strand). Cytogenetic location: 4q32.3.
Variant type: single nucleotide variant.
Coding change: c.189G>C on transcript NM_001166108.2 (MANE Select); coding-DNA position 189, G replaced by C.
Protein change: p.Glu63Asp; replaces glutamic acid 63 with aspartic acid.
Molecular consequence: missense variant.
Genome position (GRCh38, 1-based): chr4:168,511,693, G>C. VCF-style: chr4-168511693-G-C. GRCh37 (hg19) VCF-style: chr4-169432844-G-C.
Other names: c.189G>C, p.Glu63Asp (NM_016081.4); short protein forms E63D.
Identifiers: ClinVar variation 3304102 (VCV003304102.1).